The following is an entry in ClinVar:

ClinVar aggregate classification (germline): Pathogenic (1 of 4 stars; one submission).

Conditions:
Breast-ovarian cancer, familial, susceptibility to, 1 (BROVCA1). Also called: BRCA1 Hereditary Breast and Ovarian Cancer; OVARIAN CANCER, SUSCEPTIBILITY TO. Identifiers: Orphanet 145, MedGen C2676676, MONDO:0011450, OMIM 604370. Disease mechanism: loss of function.

Submission:

Department of Medical Genetics, Oslo University Hospital
Classification: Pathogenic for Breast-ovarian cancer, familial, susceptibility to, 1. Last evaluated: 2015-01-16. Review status: criteria provided, single submitter. Criteria: ACMG Guidelines, 2015. Collection method: clinical testing. Allele origin: germline. Affected: yes. Observed: 14 variant alleles.
Comment: Heterozygous deletion of exon 3-15 (also known as exon 4-16)

NC_000017.10:g.(41219713_41222944)_(41267797_41276033)del

Genes: BRCA1 (BRCA1 DNA repair associated; minus strand), LOC110485084 (BRCA1 intronic recombination region; plus strand), LOC126862571 (BRD4-independent group 4 enhancer GRCh37_chr17:41243136-41244335; plus strand), LOC111589216 (BRCA1 intron 2 regulatory region; plus strand). Cytogenetic location: 17q21.31.
Variant type: Deletion.
Identifiers: ClinVar variation 440439 (VCV000440439.1).